The following is an entry in ClinVar:

ClinVar aggregate classification (germline): Likely benign (1 of 4 stars; one submission).

Allele frequency attached by ClinVar (database versions not stated): 1000 Genomes Project 30x 0.00047; gnomAD 0.00058; 1000 Genomes Project 0.00060; TOPMed 0.00060; ESP Exome Variant Server 0.00062; ExAC 0.00080.
gnomAD v4.1: 1,226 of 1,614,068 alleles (0.076%); highest among the groups gnomAD compares: East Asian, 0.46%; 3 homozygotes.

Submission:

CeGaT Center for Human Genetics Tuebingen
Classification: Likely benign. Last evaluated: 2022-10-01. Review status: criteria provided, single submitter. Criteria: CeGaT Center For Human Genetics Tuebingen Variant Classification Criteria Version 2. Collection method: clinical testing. Allele origin: germline. Affected: yes. Observed: 2 variant alleles.
Comment: EXOC7: BP4, BP7

NM_001013839.4(EXOC7):c.930C>T (p.Thr310=)

Gene: EXOC7 (exocyst complex component 7; minus strand). Cytogenetic location: 17q25.1.
Variant type: single nucleotide variant.
Coding change: c.930C>T on transcript NM_001013839.4 (MANE Select); coding-DNA position 930, C replaced by T.
Protein change: p.Thr310=; no amino-acid change (threonine 310 retained).
Molecular consequence: synonymous variant.
Genome position (GRCh38, 1-based): chr17:76,089,292, G>A on the plus strand (C>T on the coding strand, the complement: EXOC7 is on the minus strand). VCF-style: chr17-76089292-G-A. GRCh37 (hg19) VCF-style: chr17-74085373-G-A.
Other names: c.807C>T, p.Thr269= (NM_001145296.1, NM_001282313.2); c.1083C>T, p.Thr361= (NM_001145297.4); c.906C>T, p.Thr302= (NM_001145298.4); c.999C>T, p.Thr333= (NM_001145299.4, NM_001375976.1); c.930C>T, p.Thr310= (NM_001375974.1); c.837C>T, p.Thr279= (NM_001375975.1, NM_015219.5).
Identifiers: ClinVar variation 2648294 (VCV002648294.24), dbSNP rs142975675, ClinGen allele CA8781461.